The following is an entry in ClinVar:

ClinVar aggregate classification (germline): Conflicting classifications of pathogenicity. Review status: criteria provided, conflicting classifications (1 of 4 stars). 8 submissions from 8 submitters: Uncertain significance (6); Likely benign (2). Last evaluated 2026-03-27.

Conditions:
Cardiomyopathy, familial hypertrophic 27. Identifiers: MedGen C4748014, MONDO:0054838, OMIM 618052.
Primary dilated cardiomyopathy (DCM). Also called: Dilated Cardiomyopathy. Identifiers: Orphanet 217604, MedGen C0007193, MeSH D002311, MONDO:0005021, HP:0001644. Inheritance: Various modes of inheritance.
Cardiovascular phenotype. Identifiers: MedGen CN230736.

Allele frequency attached by ClinVar (database versions not stated): ExAC 0.00025; gnomAD exomes 0.00026 and 0.00048; gnomAD 0.00036 and 0.00038; TOPMed 0.00036; ESP Exome Variant Server 0.00046.
gnomAD v4.1: 749 of 1,613,658 alleles (0.046%); highest among the groups gnomAD compares: Non-Finnish European, 0.059%; no homozygotes.

Submissions (10):

Molecular Diagnostic Laboratory for Inherited Cardiovascular Disease, Montreal Heart Institute
Classification: Likely benign. Last evaluated: 2026-03-27. Review status: criteria provided, single submitter. Criteria: ACMG Guidelines, 2015. Collection method: clinical testing. Allele origin: germline. Affected: no.
Comment: BS1;BP1;BP4

Ambry Genetics
Classification: Uncertain significance for Cardiovascular phenotype. Last evaluated: 2026-02-17. Review status: criteria provided, single submitter. Criteria: Ambry Variant Classification Scheme 2023. Collection method: clinical testing. Allele origin: germline.
Comment: The c.1544G>A (p.G515E) alteration is located in exon 5 (coding exon 5) of the ALPK3 gene. This alteration results from a G to A substitution at nucleotide position 1544, causing the glycine (G) at amino acid position 515 to be replaced by a glutamic acid (E). Based on data from gnomAD, the A allele has an overall frequency of 0.028% (80/281860) total alleles studied. The highest observed frequency was 0.111% (8/7214) of Other alleles. Based on insufficient or conflicting evidence, the clinical significance of this alteration remains unclear.

Labcorp Genetics (formerly Invitae), Labcorp
Classification: Uncertain significance. Last evaluated: 2026-01-29. Review status: criteria provided, single submitter. Criteria: Invitae Variant Classification Sherloc (09022015). Collection method: clinical testing. Allele origin: germline.
Comment: This sequence change replaces glycine, which is neutral and non-polar, with glutamic acid, which is acidic and polar, at codon 515 of the ALPK3 protein (p.Gly515Glu). This variant is present in population databases (rs148547083, gnomAD 0.05%). This missense change has been observed in individual(s) with clinical features of ALPK3-related conditions (PMID: 32480058). ClinVar contains an entry for this variant (Variation ID: 1193750). Invitae Evidence Modeling of protein sequence and biophysical properties (such as structural, functional, and spatial information, amino acid conservation, physicochemical variation, residue mobility, and thermodynamic stability) indicates that this missense variant is expected to disrupt ALPK3 protein function with a positive predictive value of 80%. In summary, the available evidence is currently insufficient to determine the role of this variant in disease. Therefore, it has been classified as a Variant of Uncertain Significance.

Mayo Clinic Laboratories, Mayo Clinic
Classification: Uncertain significance. Last evaluated: 2025-10-02. Review status: criteria provided, single submitter. Criteria: ACMG Guidelines, 2015. Collection method: clinical testing. Allele origin: germline. Observed: 1 variant allele.
Comment: BP4_moderate

CeGaT Center for Human Genetics Tuebingen
Classification: Uncertain significance. Last evaluated: 2025-03-01. Review status: criteria provided, single submitter. Criteria: CeGaT Center For Human Genetics Tuebingen Variant Classification Criteria Version 2. Collection method: clinical testing. Allele origin: germline. Affected: yes. Observed: 2 variant alleles.
Comment: ALPK3: PM2, BP1, BP4

Blueprint Genetics
Classification: Likely benign. Last evaluated: 2024-09-20. Review status: criteria provided, single submitter. Criteria: ACMG Guidelines, 2015. Collection method: clinical testing. Allele origin: germline.

GeneDx
Classification: Uncertain significance. Last evaluated: 2024-09-11. Review status: criteria provided, single submitter. Criteria: GeneDx Variant Classification Process June 2021. Collection method: clinical testing. Allele origin: germline. Affected: yes.
Comment: Reported in individuals with HCM in the published literature (PMID: 32480058); In silico analysis supports that this missense variant has a deleterious effect on protein structure/function; This variant is associated with the following publications: (PMID: 32480058)

ARUP Laboratories, Molecular Genetics and Genomics, ARUP Laboratories
Classification: Uncertain significance for Cardiomyopathy, familial hypertrophic 27. Last evaluated: 2022-09-16. Review status: criteria provided, single submitter. Criteria: ARUP Molecular Germline Variant Investigation Process 2021. Collection method: clinical testing. Allele origin: germline.
Comment: The ALPK3 c.938G>A; p.Gly313Glu variant (rs148547083) is reported in the literature in multiple individuals affected with hypertrophic cardiomyopathy (Herkert 2020). This variant is also reported in ClinVar (Variation ID: 1193750) and is found in the non-Finnish European population with an allele frequency of 0.05% (67/128726 alleles) in the Genome Aggregation Database. The glycine at codon 313 is weakly conserved, computational analyses predict that this variant is neutral (REVEL: 0.089). Due to limited information, the clinical significance of the p.Gly313Glu variant is uncertain at this time. References: Herkert JC et al. Expanding the clinical and genetic spectrum of ALPK3 variants: Phenotypes identified in pediatric cardiomyopathy patients and adults with heterozygous variants. Am Heart J. 2020 Jul;225:108-119. PMID: 32480058.

Dr. Peter K. Rogan Lab, Western University
No classification provided (evidence only). Condition: Familial cancer of breast. Review status: no classification provided. Collection method: in vitro. Allele origin: not applicable. Functional consequence: retained intron. Not counted in ClinVar's aggregate classification.

Dr. Peter K. Rogan Lab, Western University
No classification provided (evidence only). Condition: Acute myeloid leukemia. Review status: no classification provided. Collection method: in vitro. Allele origin: not applicable. Functional consequence: skipped exon, retained intron. Not counted in ClinVar's aggregate classification.

Literature cited by the submitters: PubMed 32480058 (cited by Labcorp Genetics (formerly Invitae), Labcorp and Mayo Clinic Laboratories, Mayo Clinic); PubMed 30847666 (cited by Mayo Clinic Laboratories, Mayo Clinic).

NM_020778.5(ALPK3):c.938G>A (p.Gly313Glu)

Gene: ALPK3 (alpha kinase 3; plus strand). Cytogenetic location: 15q25.3.
Variant type: single nucleotide variant.
Coding change: c.938G>A on transcript NM_020778.5 (MANE Select); coding-DNA position 938, G replaced by A.
Protein change: p.Gly313Glu; replaces glycine 313 with glutamic acid.
Molecular consequence: missense variant.
Genome position (GRCh38, 1-based): chr15:84,840,217, G>A. VCF-style: chr15-84840217-G-A. GRCh37 (hg19) VCF-style: chr15-85383448-G-A.
Other names: p.Gly515Glu; short protein forms G313E.
Identifiers: ClinVar variation 1193750 (VCV001193750.36), dbSNP rs148547083, ClinGen allele CA7709095.